The following continues an entry in ClinVar:

NM_016366.3(CABP2):c.637+1G>T

Gene: CABP2. ClinVar aggregate classification (germline): Pathogenic/Likely pathogenic. Pathogenic (17); Likely pathogenic (1).

Submissions 13 to 23 of 23:

GeneDx
Classification: Pathogenic. Last evaluated: 2022-01-17. Review status: criteria provided, single submitter. Criteria: GeneDx Variant Classification Process June 2021. Collection method: clinical testing. Allele origin: germline. Affected: yes.
Comment: Canonical splice site variant in a gene for which loss-of-function is a known mechanism of disease; This variant is associated with the following publications: (PMID: 30096381, 22981119, 31053783, 30303587, 31661684, 33269433, 32991204, 32681043, 32860223, 33666369)

Molecular Diagnostics Lab, Aalborg University Hospital
Classification: Pathogenic for Autosomal recessive nonsyndromic hearing loss 93. Last evaluated: 2020-06-01. Review status: criteria provided, single submitter. Criteria: ACMG Guidelines, 2015. Collection method: clinical testing. Allele origin: germline. Affected: yes. Observed: 1 homozygote.

Revvity Omics, Revvity
Classification: Pathogenic for Autosomal recessive nonsyndromic hearing loss 93. Last evaluated: 2020-01-27. Review status: criteria provided, single submitter. Criteria: ACMG Guidelines, 2015. Collection method: clinical testing. Allele origin: germline.

Eurofins Ntd Llc (ga)
Classification: Likely pathogenic. Last evaluated: 2018-05-14. Review status: criteria provided, single submitter. Criteria: EGL ClinVar v180209 classification definitions. Collection method: clinical testing. Allele origin: germline. Observed: 1 variant allele, 1 heterozygote.

Baylor-Hopkins Center for Mendelian Genomics, Johns Hopkins University School of Medicine
Classification: Pathogenic for Autosomal recessive nonsyndromic hearing loss 93. Review status: criteria provided, single submitter. Criteria: ACMG Guidelines, 2015. Collection method: research. Allele origin: unknown. Affected: yes. Observed: 1 variant allele, 1 homozygote.

Center for Statistical Genetics, Columbia University
Classification: Pathogenic for Autosomal recessive nonsyndromic hearing loss 93. Review status: criteria provided, single submitter. Criteria: ACMG Guidelines, 2015. Collection method: clinical testing. Allele origin: inherited. Inheritance: Autosomal recessive inheritance. Affected: yes. Observed: 3 homozygotes. Clinical features observed: Hearing impairment (HP:0000365).

Laboratory of Prof. Karen Avraham, Tel Aviv University
Classification: Pathogenic for Autosomal recessive nonsyndromic hearing loss 93. Last evaluated: 2019-07-06. Review status: no assertion criteria provided. Collection method: research. Allele origin: germline. Affected: yes. Observed: 2 variant alleles. Not counted in ClinVar's aggregate classification.
Comment: Recessive, compound heterozygous with NM_001318496.1: c.250G>A; congenital, variable SNHL

OMIM
Classification: Pathogenic for DEAFNESS, AUTOSOMAL RECESSIVE 93. Last evaluated: 2012-10-05. Review status: no assertion criteria provided. Collection method: literature only. Allele origin: germline. Not counted in ClinVar's aggregate classification.

Clinical Genetics DNA and cytogenetics Diagnostics Lab, Erasmus MC, Erasmus Medical Center
Classification: Pathogenic. Review status: no assertion criteria provided. Collection method: clinical testing. Allele origin: germline. Affected: yes. Study: VKGL Data-share Consensus. Not counted in ClinVar's aggregate classification.

Joint Genome Diagnostic Labs from Nijmegen and Maastricht, Radboudumc and MUMC+
Classification: Pathogenic. Review status: no assertion criteria provided. Collection method: clinical testing. Allele origin: germline. Affected: yes. Study: VKGL Data-share Consensus. Not counted in ClinVar's aggregate classification.

University of Washington Center for Mendelian Genomics, University of Washington
Classification: Likely pathogenic for non-syndromic autosomal recessive hearing loss. Review status: no assertion criteria provided. Collection method: research. Allele origin: inherited. Affected: yes. Not counted in ClinVar's aggregate classification.

Literature cited by the submitters: PubMed 33666369 (cited by 3 submitters); PubMed 32681043 (cited by Dasa and Pittsburgh Clinical Genomics Laboratory, University of Pittsburgh Medical Center); PubMed 30303587 (cited by 4 submitters); PubMed 22981119 (cited by 6 submitters); PubMed 32991204 (cited by Dasa and Pittsburgh Clinical Genomics Laboratory, University of Pittsburgh Medical Center); PubMed 35150090 (cited by 3 submitters); PubMed 33269433 (cited by 3 submitters); PubMed 17576681 (cited by Labcorp Genetics (formerly Invitae), Labcorp); PubMed 9536098 (cited by Labcorp Genetics (formerly Invitae), Labcorp); PubMed 26445815 (cited by Genetics Research Center, University of Social Welfare and Rehabilitation Sciences); DOI 10.1111/cge.13817 (cited by Laboratory of Prof. Karen Avraham, Tel Aviv University); PubMed 39062623 (cited by OMIM).